The following is an entry in ClinVar:

NM_017588.3(WDR5):c.488G>T (p.Cys163Phe)

Gene: WDR5 (WD repeat domain 5; plus strand). Cytogenetic location: 9q34.2.
Variant type: single nucleotide variant.
Coding change: c.488G>T on transcript NM_017588.3 (MANE Select); coding-DNA position 488, G replaced by T.
Protein change: p.Cys163Phe; replaces cysteine 163 with phenylalanine.
Molecular consequence: missense variant.
Genome position (GRCh38, 1-based): chr9:134,142,679, G>T. VCF-style: chr9-134142679-G-T. GRCh37 (hg19) VCF-style: chr9-137007801-G-T.
Other names: c.488G>T, p.Cys163Phe (NM_001384409.1, NM_001384410.1, NM_001384411.1 and 6 more transcripts); c.479G>T, p.Cys160Phe (NM_001384417.1); c.359G>T, p.Cys120Phe (NM_001384418.1, NM_001384419.1); short protein forms C120F, C160F, C163F.
Identifiers: ClinVar variation 4686451 (VCV004686451.1).
Genomic context (GRCh38, chr9:134,142,679, plus strand): 5'-ATCTCTTTTGTGTTCAGTTTGACGAAAGCGTGAGGATATGGGATGTGAAAACAGGGAAGT[G>T]CCTCAAGACTTTGCCAGCTCACTCGGATCCAGTCTCGGCCGTAAGTCCCTCTGACACGGA-3'
Protein context (NP_060058.1, residues 153-173): VRIWDVKTGK[Cys163Phe]LKTLPAHSDP

ClinVar aggregate classification (germline): Uncertain significance (1 of 4 stars; one submission).

Submission:

GeneDx
Classification: Uncertain significance. Last evaluated: 2025-07-14. Review status: criteria provided, single submitter. Criteria: GeneDx Variant Classification Process June 2021. Collection method: clinical testing. Allele origin: germline. Affected: yes.
Comment: Not observed at significant frequency in large population cohorts (gnomAD); In silico analysis supports that this missense variant has a deleterious effect on protein structure/function; Has not been previously published as pathogenic or benign to our knowledge